The following is an entry in ClinVar:

ClinVar aggregate classification (germline): Uncertain significance. Review status: criteria provided, multiple submitters, no conflicts (2 of 4 stars). 2 submissions from 2 submitters: Uncertain significance (2). Last evaluated 2026-06-03.

Conditions:
Congenital primary aphakia. Also called: Anterior segment dysgenesis 2, multiple subtypes; ANTERIOR SEGMENT DYSGENESIS 2. Identifiers: Orphanet 83461, MedGen C1853230, MONDO:0012456, OMIM 610256.
Anterior segment dysgenesis. Also called: Ocular anterior segment dysgenesis. Identifiers: Orphanet 88632, MedGen C1862839, MONDO:0019503, HP:0007700.
Cardiovascular phenotype. Identifiers: MedGen CN230736.

Submissions (2):

Ambry Genetics
Classification: Uncertain significance for Cardiovascular phenotype. Last evaluated: 2026-06-03. Review status: criteria provided, single submitter. Criteria: Ambry Variant Classification Scheme 2023. Collection method: clinical testing. Allele origin: germline.

Labcorp Genetics (formerly Invitae), Labcorp
Classification: Uncertain significance for Anterior segment dysgenesis; Congenital primary aphakia. Last evaluated: 2025-12-13. Review status: criteria provided, single submitter. Criteria: Invitae Variant Classification Sherloc (09022015). Collection method: clinical testing. Allele origin: germline.
Comment: This sequence change replaces asparagine, which is neutral and polar, with lysine, which is basic and polar, at codon 224 of the FOXE3 protein (p.Asn224Lys). The frequency data for this variant in the population databases is considered unreliable, as metrics indicate poor data quality at this position in the gnomAD database. This variant has not been reported in the literature in individuals affected with FOXE3-related conditions. ClinVar contains an entry for this variant (Variation ID: 1009484). Invitae Evidence Modeling of protein sequence and biophysical properties (such as structural, functional, and spatial information, amino acid conservation, physicochemical variation, residue mobility, and thermodynamic stability) indicates that this missense variant is not expected to disrupt FOXE3 protein function with a negative predictive value of 80%. In summary, the available evidence is currently insufficient to determine the role of this variant in disease. Therefore, it has been classified as a Variant of Uncertain Significance.

NM_012186.3(FOXE3):c.672C>G (p.Asn224Lys)

Genes: FOXE3 (forkhead box E3; plus strand), LINC01389 (long independently transcribed non-coding RNA 1389; minus strand). Cytogenetic location: 1p33.
Variant type: single nucleotide variant.
Coding change: c.672C>G on transcript NM_012186.3 (MANE Select); coding-DNA position 672, C replaced by G.
Protein change: p.Asn224Lys; replaces asparagine 224 with lysine.
Molecular consequence: missense variant.
Genome position (GRCh38, 1-based): chr1:47,416,987, C>G. VCF-style: chr1-47416987-C-G. GRCh37 (hg19) VCF-style: chr1-47882659-C-G.
Other names: c.672C>G (NM_012186.2); short protein forms N224K.
Identifiers: ClinVar variation 1009484 (VCV001009484.11), dbSNP rs1255205439, ClinGen allele CA340250465.